The following is an entry in ClinVar:

NM_007294.4(BRCA1):c.4698_4699del (p.Gly1567fs)

Gene: BRCA1 (BRCA1 DNA repair associated; minus strand). Cytogenetic location: 17q21.31.
Variant type: Deletion.
Coding change: c.4698_4699del on transcript NM_007294.4 (MANE Select); coding-DNA positions 4698 to 4699, 2 bases deleted (TG; older notation c.4698_4699delTG).
Protein change: p.Gly1567fs; shifts the reading frame from glycine 1567.
Molecular consequence: frameshift variant. On other transcripts: intron variant (1).
Genome position (GRCh38, 1-based): chr17:43,071,215-43,071,216, CA deleted on the plus strand (TG on the coding strand, the reverse complement: BRCA1 is on the minus strand). VCF-style (leftmost placement, unchanged base first): chr17-43071214-CCA-C. GRCh37 (hg19) VCF-style: chr17-41223231-CCA-C.
Other names: c.1308_1309del, p.Gly437fs (NM_001408416.1, NM_001408412.1, NM_001408413.1 and 2 more transcripts); c.1272_1273del, p.Gly425fs (NM_001408418.1, NM_001408419.1, NM_001408420.1); c.1269_1270del, p.Gly424fs (NM_001408421.1, NM_001408422.1, NM_001408423.1 and 1 more transcripts); c.1263_1264del, p.Gly422fs (NM_001408435.1, NM_001408436.1, NM_001408437.1 and 10 more transcripts); c.1248_1249del, p.Gly417fs (NM_001408454.1, NM_001408455.1, NM_001408456.1 and 3 more transcripts); c.1245_1246del, p.Gly416fs (NM_001408458.1, NM_001408459.1, NM_001408460.1 and 7 more transcripts); c.1386_1387del, p.Gly463fs (NM_001407983.1, NM_001407984.1, NM_001407985.1 and 12 more transcripts); c.1383_1384del, p.Gly462fs (NM_001408392.1, NM_001408396.1, NM_001408473.1 and 8 more transcripts); and 71 more; short protein forms G1270fs, G1271fs, G1398fs, G1413fs, G1438fs, G1439fs, G1440fs, G1454fs.
Identifiers: ClinVar variation 4876014 (VCV004876014.1).

ClinVar aggregate classification (germline): Pathogenic (1 of 4 stars; one submission).

Conditions:
Breast-ovarian cancer, familial, susceptibility to, 1 (BROVCA1). Also called: OVARIAN CANCER, SUSCEPTIBILITY TO; BRCA1 Hereditary Breast and Ovarian Cancer. Identifiers: Orphanet 145, MedGen C2676676, MONDO:0011450, OMIM 604370. Disease mechanism: loss of function.

Submission:

Myriad Genetics, Inc.
Classification: Pathogenic for Breast-ovarian cancer, familial, susceptibility to, 1. Last evaluated: 2026-04-21. Review status: criteria provided, single submitter. Criteria: Myriad Autosomal Dominant, Autosomal Recessive and X-Linked Classification Criteria (2023). Collection method: clinical testing. Allele origin: unknown.
Comment: This variant is considered pathogenic. This variant creates a frameshift predicted to result in premature protein truncation.